The following is an entry in ClinVar:

ClinVar aggregate classification (germline): Pathogenic (1 of 4 stars; one submission).

Submission:

GeneDx
Classification: Pathogenic. Last evaluated: 2025-03-13. Review status: criteria provided, single submitter. Criteria: GeneDx Variant Classification Process June 2021. Collection method: clinical testing. Allele origin: germline. Affected: yes.
Comment: Not observed at significant frequency in large population cohorts (gnomAD); In silico analysis supports that this missense variant has a deleterious effect on protein structure/function; This variant is associated with the following publications: (PMID: 33057194, 35982159, 37500730)

NM_003072.5(SMARCA4):c.3724G>A (p.Glu1242Lys)

Gene: SMARCA4 (SWI/SNF related BAF chromatin remodeling complex subunit ATPase 4; plus strand). Cytogenetic location: 19p13.2.
Variant type: single nucleotide variant.
Coding change: c.3724G>A on transcript NM_003072.5 (MANE Select); coding-DNA position 3724, G replaced by A.
Protein change: p.Glu1242Lys; replaces glutamic acid 1242 with lysine.
Molecular consequence: missense variant. On other transcripts: non-coding transcript variant (1).
Genome position (GRCh38, 1-based): chr19:11,033,467, G>A. VCF-style: chr19-11033467-G-A. GRCh37 (hg19) VCF-style: chr19-11144143-G-A.
Other names: c.3724G>A, p.Glu1242Lys (NM_001128844.3, NM_001128845.2, NM_001128846.2 and 5 more transcripts); short protein forms E1242K.
Identifiers: ClinVar variation 450008 (VCV000450008.3), dbSNP rs1555784586, ClinGen allele CA404065984.
Genomic context (GRCh38, chr19:11,033,467, plus strand): 5'-CTCAACGTGGACCAGAAGGTGATCCAGGCCGGCATGTTCGACCAGAAGTCCTCCAGCCAT[G>A]AGCGGCGCGCCTTCCTGCAGGCCATCCTGGAGCACGAGGAGCAGGATGAGGTGAGCCCAG-3'
Protein context (NP_003063.2, residues 1232-1252): GMFDQKSSSH[Glu1242Lys]RRAFLQAILE